The following is an entry in ClinVar:

NM_001927.4(DES):c.1288G>A (p.Glu430Lys)

Gene: DES (desmin; plus strand). Cytogenetic location: 2q35.
Variant type: single nucleotide variant.
Coding change: c.1288G>A on transcript NM_001927.4 (MANE Select); coding-DNA position 1288, G replaced by A.
Protein change: p.Glu430Lys; replaces glutamic acid 430 with lysine.
Molecular consequence: missense variant.
Genome position (GRCh38, 1-based): chr2:219,423,820, G>A. VCF-style: chr2-219423820-G-A. GRCh37 (hg19) VCF-style: chr2-220288542-G-A.
Other names: c.1285G>A, p.Glu429Lys (NM_001382708.1); c.856G>A, p.Glu286Lys (NM_001382709.1); c.1219G>A, p.Glu407Lys (NM_001382710.1); c.1267G>A, p.Glu423Lys (NM_001382711.1); c.1288G>A, p.Glu430Lys (NM_001382712.1); c.1018G>A, p.Glu340Lys (NM_001382713.1); short protein forms E286K, E340K, E407K, E423K, E429K, E430K.
Identifiers: ClinVar variation 3751442 (VCV003751442.2).

ClinVar aggregate classification (germline): Uncertain significance (1 of 4 stars; one submission).

Conditions:
Desmin-related myofibrillar myopathy (MFM1). Also called: MYOFIBRILLAR MYOPATHY WITH ARRHYTHMOGENIC RIGHT VENTRICULAR CARDIOMYOPATHY; DESMIN-RELATED MYOPATHY WITH ARRHYTHMOGENIC RIGHT VENTRICULAR CARDIOMYOPATHY; Desminopathy; Desmin related myopathy (former name); Desmin storage myopathy (former name); Myofibrillar myopathy 1. Identifiers: Orphanet 363543, Orphanet 98909, MedGen C1832370, MONDO:0011076, OMIM 601419.

Submission:

Labcorp Genetics (formerly Invitae), Labcorp
Classification: Uncertain significance for Desmin-related myofibrillar myopathy. Last evaluated: 2024-12-09. Review status: criteria provided, single submitter. Criteria: Invitae Variant Classification Sherloc (09022015). Collection method: clinical testing. Allele origin: germline.
Comment: This sequence change replaces glutamic acid, which is acidic and polar, with lysine, which is basic and polar, at codon 430 of the DES protein (p.Glu430Lys). This variant also falls at the last nucleotide of exon 7, which is part of the consensus splice site for this exon. This variant is not present in population databases (gnomAD no frequency). This variant has not been reported in the literature in individuals affected with DES-related conditions. Invitae Evidence Modeling of protein sequence and biophysical properties (such as structural, functional, and spatial information, amino acid conservation, physicochemical variation, residue mobility, and thermodynamic stability) has been performed for this missense variant. However, the output from this modeling did not meet the statistical confidence thresholds required to predict the impact of this variant on DES protein function. Variants that disrupt the consensus splice site are a relatively common cause of aberrant splicing (PMID: 17576681, 9536098). Algorithms developed to predict the effect of sequence changes on RNA splicing suggest that this variant may disrupt the consensus splice site. In summary, the available evidence is currently insufficient to determine the role of this variant in disease. Therefore, it has been classified as a Variant of Uncertain Significance.

Literature cited by the submitters: PubMed 17576681; PubMed 9536098.